The following is an entry in ClinVar:

ClinVar aggregate classification (germline): Uncertain significance (1 of 4 stars; one submission).

Submission:

Labcorp Genetics (formerly Invitae), Labcorp
Classification: Uncertain significance. Last evaluated: 2026-01-26. Review status: criteria provided, single submitter. Criteria: Invitae Variant Classification Sherloc (09022015). Collection method: clinical testing. Allele origin: germline.
Comment: This sequence change replaces glutamic acid, which is acidic and polar, with lysine, which is basic and polar, at codon 366 of the TNFAIP3 protein (p.Glu366Lys). This variant is not present in population databases (gnomAD no frequency). This variant has not been reported in the literature in individuals affected with TNFAIP3-related conditions. Invitae Evidence Modeling of protein sequence and biophysical properties (such as structural, functional, and spatial information, amino acid conservation, physicochemical variation, residue mobility, and thermodynamic stability) indicates that this missense variant is not expected to disrupt TNFAIP3 protein function with a negative predictive value of 80%. In summary, the available evidence is currently insufficient to determine the role of this variant in disease. Therefore, it has been classified as a Variant of Uncertain Significance.

NM_001270508.2(TNFAIP3):c.1096G>A (p.Glu366Lys)

Gene: TNFAIP3 (TNF alpha induced protein 3; plus strand). Cytogenetic location: 6q23.3.
Variant type: single nucleotide variant.
Coding change: c.1096G>A on transcript NM_001270508.2 (MANE Select); coding-DNA position 1096, G replaced by A.
Protein change: p.Glu366Lys; replaces glutamic acid 366 with lysine.
Molecular consequence: missense variant.
Genome position (GRCh38, 1-based): chr6:137,878,541, G>A. VCF-style: chr6-137878541-G-A. GRCh37 (hg19) VCF-style: chr6-138199678-G-A.
Other names: c.1096G>A, p.Glu366Lys (NM_001270507.2, NM_006290.4); short protein forms E366K.
Identifiers: ClinVar variation 4804050 (VCV004804050.1).